The following is an entry in ClinVar:

NM_004608.4(TBX6):c.491C>T (p.Ala164Val)

Gene: TBX6 (T-box transcription factor 6; minus strand). Cytogenetic location: 16p11.2.
Variant type: single nucleotide variant.
Coding change: c.491C>T on transcript NM_004608.4 (MANE Select); coding-DNA position 491, C replaced by T.
Protein change: p.Ala164Val; replaces alanine 164 with valine.
Molecular consequence: missense variant.
Genome position (GRCh38, 1-based): chr16:30,089,073, G>A on the plus strand (C>T on the coding strand, the complement: TBX6 is on the minus strand). VCF-style: chr16-30089073-G-A. GRCh37 (hg19) VCF-style: chr16-30100394-G-A.
Other names: short protein forms A164V.
Identifiers: ClinVar variation 3651693 (VCV003651693.2).

ClinVar aggregate classification (germline): Uncertain significance (1 of 4 stars; one submission).

Submission:

Labcorp Genetics (formerly Invitae), Labcorp
Classification: Uncertain significance. Last evaluated: 2024-04-30. Review status: criteria provided, single submitter. Criteria: Invitae Variant Classification Sherloc (09022015). Collection method: clinical testing. Allele origin: germline.
Comment: This sequence change replaces alanine, which is neutral and non-polar, with valine, which is neutral and non-polar, at codon 164 of the TBX6 protein (p.Ala164Val). This variant is not present in population databases (gnomAD no frequency). This variant has not been reported in the literature in individuals affected with TBX6-related conditions. Advanced modeling of protein sequence and biophysical properties (such as structural, functional, and spatial information, amino acid conservation, physicochemical variation, residue mobility, and thermodynamic stability) performed at Invitae indicates that this missense variant is expected to disrupt TBX6 protein function with a positive predictive value of 80%. Algorithms developed to predict the effect of sequence changes on RNA splicing suggest that this variant may create or strengthen a splice site. In summary, the available evidence is currently insufficient to determine the role of this variant in disease. Therefore, it has been classified as a Variant of Uncertain Significance.